The following is an entry in ClinVar:

NM_005076.5(CNTN2):c.1813C>T (p.Arg605Ter)

Gene: CNTN2 (contactin 2; plus strand). Cytogenetic location: 1q32.1.
Variant type: single nucleotide variant.
Coding change: c.1813C>T on transcript NM_005076.5 (MANE Select); coding-DNA position 1813, C replaced by T.
Protein change: p.Arg605Ter; replaces arginine 605 with a stop codon.
Molecular consequence: nonsense. On other transcripts: non-coding transcript variant (1).
Genome position (GRCh38, 1-based): chr1:205,065,906, C>T. VCF-style: chr1-205065906-C-T. GRCh37 (hg19) VCF-style: chr1-205035034-C-T.
Other names: c.1813C>T, p.Arg605Ter (NM_001346083.2); short protein forms R605*.
Identifiers: ClinVar variation 4795523 (VCV004795523.1).

ClinVar aggregate classification (germline): Likely pathogenic (1 of 4 stars; one submission).

gnomAD v4.1: 11 of 1,610,368 alleles (0.00068%); highest among the groups gnomAD compares: Admixed American, 0.0017%; no homozygotes.

Submission:

GeneDx
Classification: Likely pathogenic. Last evaluated: 2025-08-13. Review status: criteria provided, single submitter. Criteria: GeneDx Variant Classification Process June 2021. Collection method: clinical testing. Allele origin: germline. Affected: yes.
Comment: Nonsense variant predicted to result in protein truncation or nonsense mediated decay in a gene for which loss of function is a known mechanism of disease; Not observed at significant frequency in large population cohorts (gnomAD); Has not been previously published as pathogenic or benign to our knowledge